The following is an entry in ClinVar:

ClinVar aggregate classification (germline): Likely benign (1 of 4 stars; one submission).

Conditions:
VPS33B-related disorder. Also called: VPS33B-related condition.

gnomAD v4.1: 1 of 1,612,904 alleles (0.000062%); highest among the groups gnomAD compares: African/African-American, 0.0013%; no homozygotes.

Submission:

PreventionGenetics, part of Exact Sciences
Classification: Likely benign for VPS33B-related condition. Last evaluated: 2026-09-10. Review status: criteria provided, single submitter. Criteria: ACMG Guidelines, 2015. Collection method: clinical testing. Allele origin: germline.
Comment: This variant is classified as likely benign based on ACMG/AMP sequence variant interpretation guidelines (Richards et al. 2015 PMID: 25741868, with internal and published modifications).

NM_018668.5(VPS33B):c.627C>T (p.Asn209=)

Gene: VPS33B (VPS33B late endosome and lysosome associated; minus strand). Cytogenetic location: 15q26.1.
Variant type: single nucleotide variant.
Coding change: c.627C>T on transcript NM_018668.5 (MANE Select); coding-DNA position 627, C replaced by T.
Protein change: p.Asn209=; no amino-acid change (asparagine 209 retained).
Molecular consequence: synonymous variant.
Genome position (GRCh38, 1-based): chr15:91,007,023, G>A on the plus strand (C>T on the coding strand, the complement: VPS33B is on the minus strand). VCF-style: chr15-91007023-G-A. GRCh37 (hg19) VCF-style: chr15-91550253-G-A.
Other names: c.546C>T, p.Asn182= (NM_001289148.1); c.354C>T, p.Asn118= (NM_001289149.1).
Identifiers: ClinVar variation 4993090 (VCV004993090.1).